The following is an entry in ClinVar:

NM_203486.3(DLL3):c.1346C>G (p.Ser449Cys)

Gene: DLL3 (delta like canonical Notch ligand 3; plus strand). Cytogenetic location: 19q13.2.
Variant type: single nucleotide variant.
Coding change: c.1346C>G on transcript NM_203486.3 (MANE Select); coding-DNA position 1346, C replaced by G.
Protein change: p.Ser449Cys; replaces serine 449 with cysteine.
Molecular consequence: missense variant.
Genome position (GRCh38, 1-based): chr19:39,507,291, C>G. VCF-style: chr19-39507291-C-G. GRCh37 (hg19) VCF-style: chr19-39997931-C-G.
Other names: c.1346C>G, p.Ser449Cys (NM_016941.4); short protein forms S449C.
Identifiers: ClinVar variation 1896157 (VCV001896157.4), dbSNP rs771783907, ClinGen allele CA9432412.

ClinVar aggregate classification (germline): Uncertain significance (1 of 4 stars; one submission).

Allele frequency attached by ClinVar (database versions not stated): TOPMed below 0.00001; gnomAD 0.00001; gnomAD exomes 0.00002.
gnomAD v4.1: 27 of 1,547,004 alleles (0.0017%); highest among the groups gnomAD compares: Non-Finnish European, 0.0022%; no homozygotes.

Submission:

Labcorp Genetics (formerly Invitae), Labcorp
Classification: Uncertain significance. Last evaluated: 2024-01-24. Review status: criteria provided, single submitter. Criteria: Invitae Variant Classification Sherloc (09022015). Collection method: clinical testing. Allele origin: germline.
Comment: This sequence change replaces serine, which is neutral and polar, with cysteine, which is neutral and slightly polar, at codon 449 of the DLL3 protein (p.Ser449Cys). This variant is not present in population databases (gnomAD no frequency). This variant has not been reported in the literature in individuals affected with DLL3-related conditions. ClinVar contains an entry for this variant (Variation ID: 1896157). An algorithm developed to predict the effect of missense changes on protein structure and function (PolyPhen-2) suggests that this variant is likely to be disruptive. In summary, the available evidence is currently insufficient to determine the role of this variant in disease. Therefore, it has been classified as a Variant of Uncertain Significance.